The following is an entry in ClinVar:

NM_001271938.2(MEGF8):c.4196A>G (p.Asn1399Ser)

Gene: MEGF8 (multiple EGF like domains 8; plus strand). Cytogenetic location: 19q13.2.
Variant type: single nucleotide variant.
Coding change: c.4196A>G on transcript NM_001271938.2 (MANE Select); coding-DNA position 4196, A replaced by G.
Protein change: p.Asn1399Ser; replaces asparagine 1399 with serine.
Molecular consequence: missense variant.
Genome position (GRCh38, 1-based): chr19:42,355,809, A>G. VCF-style: chr19-42355809-A-G. GRCh37 (hg19) VCF-style: chr19-42859961-A-G.
Other names: c.3995A>G, p.Asn1332Ser (NM_001410.3); short protein forms N1332S, N1399S.
Identifiers: ClinVar variation 2636125 (VCV002636125.6), dbSNP rs536724995, ClinGen allele CA9475202.

ClinVar aggregate classification (germline): Uncertain significance. Review status: criteria provided, multiple submitters, no conflicts (2 of 4 stars). 4 submissions from 4 submitters: Uncertain significance (4). Last evaluated 2026-08-06.

Conditions:
MEGF8-related disorder. Also called: MEGF8-related condition.
Inborn genetic diseases. Identifiers: MedGen C0950123, MeSH D030342.
MEGF8-related Carpenter syndrome. Also called: Carpenter syndrome 2. Identifiers: Orphanet 65759, MedGen C3554247, MONDO:0013998, OMIM 614976.

Allele frequency attached by ClinVar (database versions not stated): gnomAD 0.00003; TOPMed 0.00003; ExAC 0.00006; 1000 Genomes Project 30x 0.00031; gnomAD exomes 0.00005; 1000 Genomes Project 0.00020.
gnomAD v4.1: 76 of 1,577,888 alleles (0.0048%); highest among the groups gnomAD compares: South Asian, 0.0081%; no homozygotes.

Submissions (4):

OLLIN Analises Genomicas, OLLIN
Classification: Uncertain significance for MEGF8-related Carpenter syndrome. Last evaluated: 2026-08-06. Review status: criteria provided, single submitter. Criteria: ACMG Guidelines 2015 PMID 25741868. Collection method: clinical testing. Allele origin: germline. Inheritance: Autosomal recessive inheritance.
Comment: This missense variant, located in exon 24 (of 42), has been reported in ClinVar (accession VCV002636125.5) and in gnomAD with an allele frequency of 0.0048%. However, to our knowledge, it has not been reported in the scientific literature. In silico analysis predicts that this variant has a tolerated effect. According to the currently available evidence, this variant has been classified as uncertain significance (PM2_P, BP4).

Labcorp Genetics (formerly Invitae), Labcorp
Classification: Uncertain significance for MEGF8-related Carpenter syndrome. Last evaluated: 2024-10-07. Review status: criteria provided, single submitter. Criteria: Invitae Variant Classification Sherloc (09022015). Collection method: clinical testing. Allele origin: germline.
Comment: This sequence change replaces asparagine, which is neutral and polar, with serine, which is neutral and polar, at codon 1332 of the MEGF8 protein (p.Asn1332Ser). This variant is present in population databases (rs536724995, gnomAD 0.01%). This variant has not been reported in the literature in individuals affected with MEGF8-related conditions. ClinVar contains an entry for this variant (Variation ID: 2636125). An algorithm developed to predict the effect of missense changes on protein structure and function (PolyPhen-2) suggests that this variant is likely to be disruptive. In summary, the available evidence is currently insufficient to determine the role of this variant in disease. Therefore, it has been classified as a Variant of Uncertain Significance.

Ambry Genetics
Classification: Uncertain significance for Inborn genetic diseases. Last evaluated: 2024-03-18. Review status: criteria provided, single submitter. Criteria: Ambry Variant Classification Scheme 2023. Collection method: clinical testing. Allele origin: germline.

PreventionGenetics, part of Exact Sciences
Classification: Uncertain significance for MEGF8-related condition. Last evaluated: 2023-02-08. Review status: criteria provided, single submitter. Criteria: ACMG Guidelines, 2015. Collection method: clinical testing. Allele origin: germline.
Comment: The MEGF8 c.3995A>G variant is predicted to result in the amino acid substitution p.Asn1332Ser. To our knowledge, this variant has not been reported in the literature. This variant is reported in 0.0098% of alleles in individuals of African descent in gnomAD. At this time, the clinical significance of this variant is uncertain due to the absence of conclusive functional and genetic evidence.